The following is an entry in ClinVar:

ClinVar aggregate classification (germline): Likely benign. Review status: criteria provided, multiple submitters, no conflicts (2 of 4 stars). 2 submissions from 2 submitters: Likely benign (2). Last evaluated 2025-01-29.

Conditions:
Adams-Oliver syndrome 5 (AOS5). Identifiers: Orphanet 974, MedGen C4014970, MONDO:0014459, OMIM 616028.

Allele frequency attached by ClinVar (database versions not stated): TOPMed 0.00001; ExAC 0.00002; gnomAD 0.00001; gnomAD exomes 0.00001.
gnomAD v4.1: 19 of 1,612,870 alleles (0.0012%); highest among the groups gnomAD compares: Non-Finnish European, 0.0016%; no homozygotes.

Submissions (2):

Mayo Clinic Laboratories, Mayo Clinic
Classification: Likely benign. Last evaluated: 2025-01-29. Review status: criteria provided, single submitter. Criteria: ACMG Guidelines, 2015. Collection method: clinical testing. Allele origin: germline. Observed: 1 variant allele.
Comment: BP4, BP7, PM2_supporting

Labcorp Genetics (formerly Invitae), Labcorp
Classification: Likely benign for Adams-Oliver syndrome 5. Last evaluated: 2020-05-10. Review status: criteria provided, single submitter. Criteria: Invitae Variant Classification Sherloc (09022015). Collection method: clinical testing. Allele origin: germline.

NM_017617.5(NOTCH1):c.7134C>T (p.His2378=)

Gene: NOTCH1 (notch receptor 1; minus strand). Cytogenetic location: 9q34.3.
Variant type: single nucleotide variant.
Coding change: c.7134C>T on transcript NM_017617.5 (MANE Select); coding-DNA position 7134, C replaced by T.
Protein change: p.His2378=; no amino-acid change (histidine 2378 retained).
Molecular consequence: synonymous variant.
Genome position (GRCh38, 1-based): chr9:136,496,605, G>A on the plus strand (C>T on the coding strand, the complement: NOTCH1 is on the minus strand). VCF-style: chr9-136496605-G-A. GRCh37 (hg19) VCF-style: chr9-139391057-G-A.
Other names: p.His2378=.
Identifiers: ClinVar variation 1135352 (VCV001135352.10), dbSNP rs775424890, ClinGen allele CA5339745.